The following is an entry in ClinVar:

NM_000092.5(COL4A4):c.2241C>T (p.Pro747=)

Gene: COL4A4 (collagen type IV alpha 4 chain; minus strand). Cytogenetic location: 2q36.3.
Variant type: single nucleotide variant.
Coding change: c.2241C>T on transcript NM_000092.5 (MANE Select); coding-DNA position 2241, C replaced by T.
Protein change: p.Pro747=; no amino-acid change (proline 747 retained).
Molecular consequence: synonymous variant.
Genome position (GRCh38, 1-based): chr2:227,059,547, G>A on the plus strand (C>T on the coding strand, the complement: COL4A4 is on the minus strand). VCF-style: chr2-227059547-G-A. GRCh37 (hg19) VCF-style: chr2-227924263-G-A.
Identifiers: ClinVar variation 761704 (VCV000761704.20), dbSNP rs374510402, ClinGen allele CA2144856.

ClinVar aggregate classification (germline): Likely benign. Review status: criteria provided, multiple submitters, no conflicts (2 of 4 stars). 5 submissions from 5 submitters: Likely benign (3). 2 of the submissions do not count toward it. Last evaluated 2026-01-16.

Conditions:
Alport syndrome. Also called: Hemorrhagic familial nephritis; Hemorrhagic hereditary nephritis; Congenital hereditary hematuria. Identifiers: Orphanet 63, MedGen C1567741, MONDO:0018965.

Allele frequency attached by ClinVar (database versions not stated): ESP Exome Variant Server 0.00008; TOPMed 0.00037; gnomAD 0.00048; 1000 Genomes Project 0.00060; 1000 Genomes Project 30x 0.00062.
gnomAD v4.1: 117 of 1,613,976 alleles (0.0072%); highest among the groups gnomAD compares: African/African-American, 0.1%; no homozygotes.

Submissions (5):

Labcorp Genetics (formerly Invitae), Labcorp
Classification: Likely benign. Last evaluated: 2026-01-16. Review status: criteria provided, single submitter. Criteria: Invitae Variant Classification Sherloc (09022015). Collection method: clinical testing. Allele origin: germline.

Blueprint Genetics
Classification: Likely benign. Last evaluated: 2024-11-13. Review status: criteria provided, single submitter. Criteria: ACMG Guidelines, 2015. Collection method: clinical testing. Allele origin: germline.

Laboratory for Molecular Medicine, Mass General Brigham Personalized Medicine
Classification: Likely benign. Last evaluated: 2017-08-23. Review status: criteria provided, single submitter. Criteria: LMM Criteria. Collection method: clinical testing. Allele origin: germline. Observed: 1 variant allele.
Comment: p.Pro747Pro in exon 28 of COL4A4: This variant is not expected to have clinical significance because it does not alter an amino acid residue and is not located within the splice consensus sequence. It has been identified in 0.10% (10/9708) of African chromosomes by the Exome Aggregation Consortium (ExAC; dbSNP rs374510402).

Natera, Inc.
Classification: Likely benign for Alport syndrome. Last evaluated: 2020-01-06. Review status: no assertion criteria provided. Collection method: clinical testing. Allele origin: germline. Not counted in ClinVar's aggregate classification.

Sydney Genome Diagnostics, Children's Hospital Westmead
Classification: Uncertain significance for Alport syndrome. Last evaluated: 2018-05-03. Review status: no assertion criteria provided. Collection method: clinical testing. Allele origin: unknown. Affected: yes. Observed: 1 variant allele, 1 homozygote. Not counted in ClinVar's aggregate classification.